The following is an entry in ClinVar:

ClinVar aggregate classification (germline): Uncertain significance (1 of 4 stars; one submission).

gnomAD v4.1: 3 of 1,613,698 alleles (0.00019%); highest among the groups gnomAD compares: East Asian, 0.0022%; no homozygotes.

Submission:

Labcorp Genetics (formerly Invitae), Labcorp
Classification: Uncertain significance. Last evaluated: 2024-03-01. Review status: criteria provided, single submitter. Criteria: Invitae Variant Classification Sherloc (09022015). Collection method: clinical testing. Allele origin: germline.
Comment: This sequence change replaces threonine, which is neutral and polar, with alanine, which is neutral and non-polar, at codon 1530 of the TOP2B protein (p.Thr1530Ala). This variant is present in population databases (no rsID available, gnomAD 0.006%). This variant has not been reported in the literature in individuals affected with TOP2B-related conditions. Algorithms developed to predict the effect of missense changes on protein structure and function output the following: SIFT: "Not Available"; PolyPhen-2: "Benign"; Align-GVGD: "Not Available". The alanine amino acid residue is found in multiple mammalian species, which suggests that this missense change does not adversely affect protein function. In summary, the available evidence is currently insufficient to determine the role of this variant in disease. Therefore, it has been classified as a Variant of Uncertain Significance.

NM_001330700.2(TOP2B):c.4603A>G (p.Thr1535Ala)

Gene: TOP2B (DNA topoisomerase II beta; minus strand). Cytogenetic location: 3p24.2.
Variant type: single nucleotide variant.
Coding change: c.4603A>G on transcript NM_001330700.2 (MANE Select); coding-DNA position 4603, A replaced by G.
Protein change: p.Thr1535Ala; replaces threonine 1535 with alanine.
Molecular consequence: missense variant.
Genome position (GRCh38, 1-based): chr3:25,601,112, T>C on the plus strand (A>G on the coding strand, the complement: TOP2B is on the minus strand). VCF-style: chr3-25601112-T-C. GRCh37 (hg19) VCF-style: chr3-25642603-T-C.
Other names: c.4588A>G, p.Thr1530Ala (NM_001068.3); short protein forms T1535A, T1530A.
Identifiers: ClinVar variation 3667834 (VCV003667834.2).